The following is an entry in ClinVar:

NM_152383.5(DIS3L2):c.2266C>G (p.Leu756Val)

Gene: DIS3L2 (DIS3 like 3'-5' exoribonuclease 2; plus strand). Cytogenetic location: 2q37.1.
Variant type: single nucleotide variant.
Coding change: c.2266C>G on transcript NM_152383.5 (MANE Select); coding-DNA position 2266, C replaced by G.
Protein change: p.Leu756Val; replaces leucine 756 with valine.
Molecular consequence: missense variant. On other transcripts: non-coding transcript variant (2), intron variant (1).
Genome position (GRCh38, 1-based): chr2:232,334,476, C>G. VCF-style: chr2-232334476-C-G. GRCh37 (hg19) VCF-style: chr2-233199186-C-G.
Other names: c.1582-8869C>G (NM_001257281.2); short protein forms L756V.
Identifiers: ClinVar variation 573958 (VCV000573958.8), dbSNP rs1226765433, ClinGen allele CA350977835.

ClinVar aggregate classification (germline): Uncertain significance (1 of 4 stars; one submission).

Conditions:
Perlman syndrome (PRLMNS). Identifiers: Orphanet 2849, MedGen C0796113, MONDO:0009965, OMIM 267000.

Allele frequency attached by ClinVar (database versions not stated): gnomAD exomes below 0.00001.
gnomAD v4.1: 1 of 1,613,922 alleles (0.000062%); highest among the groups gnomAD compares: Non-Finnish European, 0.000085%; no homozygotes.

Submission:

Labcorp Genetics (formerly Invitae), Labcorp
Classification: Uncertain significance for Perlman syndrome. Last evaluated: 2018-03-08. Review status: criteria provided, single submitter. Criteria: Invitae Variant Classification Sherloc (09022015). Collection method: clinical testing. Allele origin: germline.
Comment: In summary, the available evidence is currently insufficient to determine the role of this variant in disease. Therefore, it has been classified as a Variant of Uncertain Significance. This sequence change replaces leucine with valine at codon 756 of the DIS3L2 protein (p.Leu756Val). The leucine residue is highly conserved and there is a small physicochemical difference between leucine and valine. This variant is not present in population databases (ExAC no frequency). This variant has not been reported in the literature in individuals with DIS3L2-related disease. Algorithms developed to predict the effect of missense changes on protein structure and function do not agree on the potential impact of this missense change (SIFT: "Deleterious"; PolyPhen-2: "Possibly Damaging"; Align-GVGD: "Class C0").